The following is an entry in ClinVar:

ClinVar aggregate classification (germline): Likely pathogenic (1 of 4 stars; one submission).

Conditions:
Osteopathia striata with cranial sclerosis (OSCS). Also called: HYPEROSTOSIS GENERALISATA WITH STRIATIONS. Identifiers: Orphanet 2780, MedGen C0432268, MONDO:0010310, OMIM 300373.

Submission:

3billion
Classification: Likely pathogenic for Osteopathia striata with cranial sclerosis. Last evaluated: 2023-09-01. Review status: criteria provided, single submitter. Criteria: ACMG Guidelines, 2015. Collection method: clinical testing. Allele origin: germline. Affected: yes.
Comment: The variant is not observed in the gnomAD v2.1.1 dataset. Predicted Consequence/Location: Stop-gained (nonsense): predicted to result in a loss or disruption of normal protein function through protein truncation. The predicted truncated protein may be shortened by more than 10%. Therefore, this variant is classified as Likely pathogenic according to the recommendation of ACMG/AMP guideline.

NM_152424.4(AMER1):c.1756C>T (p.Arg586Ter)

Gene: AMER1 (APC membrane recruitment protein 1; minus strand). Cytogenetic location: Xq11.2.
Variant type: single nucleotide variant.
Coding change: c.1756C>T on transcript NM_152424.4 (MANE Select); coding-DNA position 1756, C replaced by T.
Protein change: p.Arg586Ter; replaces arginine 586 with a stop codon.
Molecular consequence: nonsense.
Genome position (GRCh38, 1-based): chrX:64,191,531, G>A on the plus strand (C>T on the coding strand, the complement: AMER1 is on the minus strand). VCF-style: chrX-64191531-G-A. GRCh37 (hg19) VCF-style: chrX-63411411-G-A.
Other names: short protein forms R586*.
Identifiers: ClinVar variation 3775971 (VCV003775971.1).
Genomic context (GRCh38, chrX:64,191,531, plus strand): 5'-TGCCATAAGCCTCTCGAGTATAGGCCTCCCTGGCGTGGGCCTCCCTGGCATGAGCTTCTC[G>A]GGCACGTGCCTCCTGGGCCTCAAGCTGCTCCCGCCGAAGCTCCCAATACAACAACTGTTT-3'